The following is an entry in ClinVar:

ClinVar aggregate classification (germline): Uncertain significance (1 of 4 stars; one submission).

Conditions:
Arrhythmogenic cardiomyopathy with wooly hair and keratoderma. Also called: Carvajal syndrome; PALMOPLANTAR KERATODERMA WITH LEFT VENTRICULAR CARDIOMYOPATHY AND WOOLLY HAIR; Dilated cardiomyopathy with woolly hair and keratoderma; Arrhythmogenic cardiomyopathy with woolly hair and keratoderma. Identifiers: Orphanet 65282, MedGen C1854063, MONDO:0011581, OMIM 605676.

Submission:

All of Us Research Program, National Institutes of Health
Classification: Uncertain significance for Arrhythmogenic cardiomyopathy with wooly hair and keratoderma. Last evaluated: 2024-05-14. Review status: criteria provided, single submitter. Criteria: ACMG Guidelines, 2015. Collection method: clinical testing. Allele origin: germline. Inheritance: Autosomal dominant inheritance. Observed: 1 variant allele, 1 heterozygote.
Comment: This missense variant replaces isoleucine with asparagine at codon 125 of the DSP protein. Computational prediction suggests that this variant may not impact protein structure and function (internally defined REVEL score threshold <= 0.5, PMID: 27666373). To our knowledge, functional studies have not been reported for this variant. This variant has not been reported in individuals affected with DSP-related disorders in the literature. This variant has not been identified in the general population by the Genome Aggregation Database (gnomAD). The available evidence is insufficient to determine the role of this variant in disease conclusively. Therefore, this variant is classified as a Variant of Uncertain Significance.

This study involves interpretation of variants in research participants for the purpose of population health screening. Participant phenotype was not available at the time of variant classification. Additional details can be found in publication PMID: 35346344, PMCID: PMC8962531

NM_004415.4(DSP):c.374T>A (p.Ile125Asn)

Gene: DSP (desmoplakin; plus strand). Cytogenetic location: 6p24.3.
Variant type: single nucleotide variant.
Coding change: c.374T>A on transcript NM_004415.4 (MANE Select); coding-DNA position 374, T replaced by A.
Protein change: p.Ile125Asn; replaces isoleucine 125 with asparagine.
Molecular consequence: missense variant.
Genome position (GRCh38, 1-based): chr6:7,558,216, T>A. VCF-style: chr6-7558216-T-A. GRCh37 (hg19) VCF-style: chr6-7558449-T-A.
Other names: c.374T>A, p.Ile125Asn (NM_001008844.3, NM_001319034.2, NM_001406591.1); short protein forms I125N.
Identifiers: ClinVar variation 3386614 (VCV003386614.1).